The following is an entry in ClinVar:

NM_001378615.1(CC2D2A):c.398G>A (p.Ser133Asn)

Genes: CC2D2A (coiled-coil and C2 domain containing 2A; plus strand), FBXL5 (F-box and leucine rich repeat protein 5; minus strand). Cytogenetic location: 4p15.32.
Variant type: single nucleotide variant.
Coding change: c.398G>A on transcript NM_001378615.1 (MANE Select); coding-DNA position 398, G replaced by A.
Protein change: p.Ser133Asn; replaces serine 133 with asparagine.
Molecular consequence: missense variant.
Genome position (GRCh38, 1-based): chr4:15,502,883, G>A. VCF-style: chr4-15502883-G-A. GRCh37 (hg19) VCF-style: chr4-15504506-G-A.
Other names: c.251G>A, p.Ser84Asn (NM_001378617.1); c.398G>A, p.Ser133Asn (NM_001080522.2); short protein forms S84N, S133N.
Identifiers: ClinVar variation 2117119 (VCV002117119.2), dbSNP rs1716041889, ClinGen allele CA356408362.

ClinVar aggregate classification (germline): Uncertain significance (1 of 4 stars; one submission).

Conditions:
Joubert syndrome. Also called: JOUBERT-BOLTSHAUSER SYNDROME; Familial aplasia of the vermis. Identifiers: Orphanet 475, MedGen C5979921, MONDO:0018772.
Meckel-Gruber syndrome. Also called: DYSENCEPHALIA SPLANCHNOCYSTICA; GRUBER SYNDROME; Dysencephalia splachnocystica. Identifiers: Orphanet 564, MedGen C0265215, MONDO:0018921.

Allele frequency attached by ClinVar (database versions not stated): gnomAD exomes below 0.00001.
gnomAD v4.1: 2 of 1,611,492 alleles (0.00012%); highest among the groups gnomAD compares: South Asian, 0.0022%; no homozygotes.

Submission:

Labcorp Genetics (formerly Invitae), Labcorp
Classification: Uncertain significance for Joubert syndrome; Meckel-Gruber syndrome. Last evaluated: 2022-03-26. Review status: criteria provided, single submitter. Criteria: Invitae Variant Classification Sherloc (09022015). Collection method: clinical testing. Allele origin: germline.
Comment: Advanced modeling of protein sequence and biophysical properties (such as structural, functional, and spatial information, amino acid conservation, physicochemical variation, residue mobility, and thermodynamic stability) performed at Invitae indicates that this missense variant is not expected to disrupt CC2D2A protein function. This variant has not been reported in the literature in individuals affected with CC2D2A-related conditions. This variant is not present in population databases (gnomAD no frequency). This sequence change replaces serine, which is neutral and polar, with asparagine, which is neutral and polar, at codon 133 of the CC2D2A protein (p.Ser133Asn). In summary, the available evidence is currently insufficient to determine the role of this variant in disease. Therefore, it has been classified as a Variant of Uncertain Significance.